The following is an entry in ClinVar:

NM_000642.3(AGL):c.2002-1G>C

Gene: AGL (amylo-alpha-1,6-glucosidase and 4-alpha-glucanotransferase; plus strand). Cytogenetic location: 1p21.2.
Variant type: single nucleotide variant.
Coding change: c.2002-1G>C on transcript NM_000642.3 (MANE Select); the canonical splice acceptor site of the intron before coding-DNA position 2002, G replaced by C.
Molecular consequence: splice acceptor variant.
Genome position (GRCh38, 1-based): chr1:99,881,291, G>C. VCF-style: chr1-99881291-G-C. GRCh37 (hg19) VCF-style: chr1-100346847-G-C.
Other names: c.1624-1G>C (NM_001425332.1); c.2002-1G>C (NM_001425325.1, NM_000028.3, NM_000643.3 and 2 more transcripts); c.1954-1G>C (NM_000646.3); c.1801-1G>C (NM_001425327.1); c.1798-1G>C (NM_001425328.1, NM_001425329.1).
Identifiers: ClinVar variation 1511971 (VCV001511971.6), dbSNP rs2100759240, ClinGen allele CA341318426.

ClinVar aggregate classification (germline): Likely pathogenic (1 of 4 stars; one submission).

Conditions:
Glycogen storage disease type III (GSD3). Also called: FORBES DISEASE; Cori disease. Identifiers: Orphanet 366, MedGen C0017922, MONDO:0009291, OMIM 232400.

Allele frequency attached by ClinVar (database versions not stated): gnomAD exomes below 0.00001.
gnomAD v4.1: 1 of 1,614,024 alleles (0.000062%); highest among the groups gnomAD compares: Non-Finnish European, 0.000085%; no homozygotes.

Submission:

Labcorp Genetics (formerly Invitae), Labcorp
Classification: Likely pathogenic for Glycogen storage disease type III. Last evaluated: 2021-08-13. Review status: criteria provided, single submitter. Criteria: Invitae Variant Classification Sherloc (09022015). Collection method: clinical testing. Allele origin: germline.
Comment: In summary, the currently available evidence indicates that the variant is pathogenic, but additional data are needed to prove that conclusively. Therefore, this variant has been classified as Likely Pathogenic. Algorithms developed to predict the effect of sequence changes on RNA splicing suggest that this variant may disrupt the consensus splice site. This variant has not been reported in the literature in individuals affected with AGL-related conditions. This variant is not present in population databases (ExAC no frequency). This sequence change affects an acceptor splice site in intron 15 of the AGL gene. It is expected to disrupt RNA splicing. Variants that disrupt the donor or acceptor splice site typically lead to a loss of protein function (PMID: 16199547), and loss-of-function variants in AGL are known to be pathogenic (PMID: 19299494).

Literature cited by the submitters: PubMed 16199547; PubMed 19299494.